The following is an entry in ClinVar:

ClinVar aggregate classification (germline): Pathogenic (1 of 4 stars; one submission).

Conditions:
Vici syndrome (VICIS). Identifiers: Orphanet 1493, MedGen C1855772, MONDO:0009452, OMIM 242840.

Submission:

Labcorp Genetics (formerly Invitae), Labcorp
Classification: Pathogenic for Vici syndrome. Last evaluated: 2024-07-06. Review status: criteria provided, single submitter. Criteria: Invitae Variant Classification Sherloc (09022015). Collection method: clinical testing. Allele origin: germline.
Comment: This sequence change creates a premature translational stop signal (p.His1429Leufs*7) in the EPG5 gene. It is expected to result in an absent or disrupted protein product. Loss-of-function variants in EPG5 are known to be pathogenic (PMID: 23222957, 23674064). This variant is not present in population databases (gnomAD no frequency). This variant has not been reported in the literature in individuals affected with EPG5-related conditions. ClinVar contains an entry for this variant (Variation ID: 580540). Algorithms developed to predict the effect of sequence changes on RNA splicing suggest that this variant may disrupt the consensus splice site. For these reasons, this variant has been classified as Pathogenic.

Literature cited by the submitters: PubMed 23222957; PubMed 23674064.

NM_020964.3(EPG5):c.4286del (p.His1429fs)

Gene: EPG5 (ectopic P-granules 5 autophagy tethering factor; minus strand). Cytogenetic location: 18q21.1.
Variant type: Deletion.
Coding change: c.4286del on transcript NM_020964.3 (MANE Select); coding-DNA position 4286, one base deleted (A; older notation c.4286delA).
Protein change: p.His1429fs; shifts the reading frame from histidine 1429.
Molecular consequence: frameshift variant.
Genome position (GRCh38, 1-based): chr18:45,908,001, T deleted on the plus strand (A on the coding strand, the reverse complement: EPG5 is on the minus strand). VCF-style (leftmost placement, unchanged base first): chr18-45908000-AT-A. GRCh37 (hg19) VCF-style: chr18-43487965-AT-A.
Other names: c.4286del, p.His1429fs (LRG_1234t1); short protein forms H1429fs.
Identifiers: ClinVar variation 580540 (VCV000580540.7), dbSNP rs1568142333, ClinGen allele CA891844147.